The following is an entry in ClinVar:

ClinVar aggregate classification (germline): Likely pathogenic (1 of 4 stars; one submission).

Conditions:
Autosomal dominant intellectual disability-craniofacial anomalies-cardiac defects syndrome (ARTHS). Also called: KAT6A syndrome; Mental retardation, autosomal dominant 32; Arboleda-Tham syndrome. Identifiers: Orphanet 457193, MedGen C4225396, MONDO:0014558, OMIM 616268.

Submission:

Laboratorio de Genetica e Diagnostico Molecular, Hospital Israelita Albert Einstein
Classification: Likely pathogenic for Autosomal dominant intellectual disability-craniofacial anomalies-cardiac defects syndrome. Last evaluated: 2024-07-20. Review status: criteria provided, single submitter. Criteria: ACMG Guidelines, 2015. Collection method: clinical testing. Allele origin: germline. Affected: yes.
Comment: ACMG classification criteria: PVS1 very strong, PM2 supporting

NM_006766.5(KAT6A):c.2451_2452del (p.Ser818_His819insTer)

Gene: KAT6A (lysine acetyltransferase 6A; minus strand). Cytogenetic location: 8p11.21.
Variant type: Microsatellite.
Coding change: c.2451_2452del on transcript NM_006766.5 (MANE Select); coding-DNA positions 2451 to 2452, 2 bases deleted (GT; older notation c.2451_2452delGT).
Protein change: p.Ser818_His819insTer.
Molecular consequence: frameshift variant.
Genome position (GRCh38, 1-based): chr8:41,941,429-41,941,430, AC deleted on the plus strand (GT on the coding strand, the reverse complement: KAT6A is on the minus strand); deleting any 2 consecutive bases within chr8:41,941,429-41,941,433 gives the same sequence; the c. name uses the placement nearest the transcript's 3' end. VCF-style (leftmost placement, unchanged base first): chr8-41941428-GAC-G. GRCh37 (hg19) VCF-style: chr8-41798946-GAC-G.
Identifiers: ClinVar variation 4056518 (VCV004056518.1).